The following is an entry in ClinVar:

ClinVar aggregate classification (germline): Uncertain significance (1 of 4 stars; one submission).

Allele frequency attached by ClinVar (database versions not stated): TOPMed 0.00001.

Submission:

Ambry Genetics
Classification: Uncertain significance. Last evaluated: 2022-04-22. Review status: criteria provided, single submitter. Criteria: Ambry Variant Classification Scheme 2023. Collection method: clinical testing. Allele origin: germline.
Comment: The p.A316S variant (also known as c.946G>T), located in coding exon 4 of the MNDA gene, results from a G to T substitution at nucleotide position 946. The alanine at codon 316 is replaced by serine, an amino acid with similar properties. This amino acid position is conserved. In addition, this alteration is predicted to be tolerated by in silico analysis. Since supporting evidence is limited at this time, the clinical significance of this alteration remains unclear.

NM_002432.3(MNDA):c.946G>T (p.Ala316Ser)

Gene: MNDA (myeloid cell nuclear differentiation antigen; plus strand). Cytogenetic location: 1q23.1.
Variant type: single nucleotide variant.
Coding change: c.946G>T on transcript NM_002432.3 (MANE Select); coding-DNA position 946, G replaced by T.
Protein change: p.Ala316Ser; replaces alanine 316 with serine.
Molecular consequence: missense variant.
Genome position (GRCh38, 1-based): chr1:158,845,962, G>T. VCF-style: chr1-158845962-G-T. GRCh37 (hg19) VCF-style: chr1-158815752-G-T.
Other names: short protein forms A316S.
Identifiers: ClinVar variation 1767070 (VCV001767070.2), dbSNP rs1659126269, ClinGen allele CA343042448.